The following is an entry in ClinVar:

ClinVar aggregate classification (germline): Uncertain significance (1 of 4 stars; one submission).

Submission:

Labcorp Genetics (formerly Invitae), Labcorp
Classification: Uncertain significance. Last evaluated: 2024-12-06. Review status: criteria provided, single submitter. Criteria: Invitae Variant Classification Sherloc (09022015). Collection method: clinical testing. Allele origin: germline.
Comment: This sequence change replaces alanine, which is neutral and non-polar, with serine, which is neutral and polar, at codon 938 of the WNK4 protein (p.Ala938Ser). This variant is not present in population databases (gnomAD no frequency). This variant has not been reported in the literature in individuals affected with WNK4-related conditions. Invitae Evidence Modeling of protein sequence and biophysical properties (such as structural, functional, and spatial information, amino acid conservation, physicochemical variation, residue mobility, and thermodynamic stability) indicates that this missense variant is not expected to disrupt WNK4 protein function with a negative predictive value of 95%. In summary, the available evidence is currently insufficient to determine the role of this variant in disease. Therefore, it has been classified as a Variant of Uncertain Significance.

NM_032387.5(WNK4):c.2812G>T (p.Ala938Ser)

Gene: WNK4 (WNK lysine deficient protein kinase 4; plus strand). Cytogenetic location: 17q21.2.
Variant type: single nucleotide variant.
Coding change: c.2812G>T on transcript NM_032387.5 (MANE Select); coding-DNA position 2812, G replaced by T.
Protein change: p.Ala938Ser; replaces alanine 938 with serine.
Molecular consequence: missense variant.
Genome position (GRCh38, 1-based): chr17:42,795,233, G>T. VCF-style: chr17-42795233-G-T. GRCh37 (hg19) VCF-style: chr17-40947251-G-T.
Other names: c.1804G>T, p.Ala602Ser (NM_001321299.2); short protein forms A602S, A938S.
Identifiers: ClinVar variation 3679066 (VCV003679066.2).